The following is an entry in ClinVar:

ClinVar aggregate classification (germline): Pathogenic. Review status: reviewed by expert panel (3 of 4 stars). 2 submissions from 2 submitters: Pathogenic (1). 1 of the submissions does not count toward it. Last evaluated 2024-09-27.

Conditions:
T-cell immunodeficiency, congenital alopecia, and nail dystrophy. Also called: Congenital alopecia and nail dystrophy associated with severe functional T-cell immunodeficiency; Pignata Guarino syndrome. Identifiers: Orphanet 169095, MedGen C1866426, MONDO:0011132, OMIM 601705.

Submissions (2):

ClinGen Severe Combined Immunodeficiency Variant Curation Expert Panel, ClinGen
Classification: Pathogenic for T-cell immunodeficiency, congenital alopecia, and nail dystrophy. Last evaluated: 2024-09-27. Review status: reviewed by expert panel. Criteria: ClinGen SCID ACMG Specifications FOXN1 V1.0.0. Collection method: curation. Allele origin: germline. Inheritance: Semidominant inheritance.
Comment: NM_001369369.1(FOXN1):c.246C>A (p.Cys82Ter) is a nonsense variant predicted to cause a premature stop codon (3/9) and lead to nonsense mediated decay in a disease that is loss of function (PVS1). The variant has been found in at least one compound heterozygous patient with FOXN1 deficiency (P9, PMID: 33464451). The patient displayed alopecia and low t-cell numbers (less than 1,000,000 cells/L) (PP4). They also had poor proliferative response to phytohemagglutinin on total cells, though normal when evaluated on separated T cells, flow cytometric analysis showed near complete absence of CD45RA+ CD4 T cells, and they had very low TRECs. They received a thymus transplant but T cell levels were not reported post transplant. The variant is absent from gnomADv4.1 (PM2_supporting). In summary this variant meets criteria to be classified as pathogenic for semidominant T-cell immunodeficiency, congenital alopecia, and nail dystrophy due to FOXN1 deficiency based on the ACMG/AMP criteria applied: PVS1, PM2_supporting, PP4 as specified by the ClinGen SCID VCEP FOXN1 subgroup (Pilot, date of approval xx/xx/2024).

Labcorp Genetics (formerly Invitae), Labcorp
Classification: Pathogenic for T-cell immunodeficiency, congenital alopecia, and nail dystrophy. Last evaluated: 2023-02-24. Review status: criteria provided, single submitter. Criteria: Invitae Variant Classification Sherloc (09022015). Collection method: clinical testing. Allele origin: germline. Not counted in ClinVar's aggregate classification.
Comment: This variant is not present in population databases (gnomAD no frequency). This sequence change creates a premature translational stop signal (p.Cys82*) in the FOXN1 gene. It is expected to result in an absent or disrupted protein product. Loss-of-function variants in FOXN1 are known to be pathogenic (PMID: 10206641, 15180707, 31447097). This premature translational stop signal has been observed in individual(s) with severe combined immunodeficiency (PMID: 33464451). For these reasons, this variant has been classified as Pathogenic.

Literature cited by the submitters: PubMed 10206641 (cited by Labcorp Genetics (formerly Invitae), Labcorp); PubMed 15180707 (cited by Labcorp Genetics (formerly Invitae), Labcorp); PubMed 31447097 (cited by Labcorp Genetics (formerly Invitae), Labcorp); PubMed 33464451 (cited by Labcorp Genetics (formerly Invitae), Labcorp).

NM_001369369.1(FOXN1):c.246C>A (p.Cys82Ter)

Gene: FOXN1 (forkhead box N1; plus strand). Cytogenetic location: 17q11.2.
Variant type: single nucleotide variant.
Coding change: c.246C>A on transcript NM_001369369.1 (MANE Select); coding-DNA position 246, C replaced by A.
Protein change: p.Cys82Ter; replaces cysteine 82 with a stop codon.
Molecular consequence: nonsense.
Genome position (GRCh38, 1-based): chr17:28,524,625, C>A. VCF-style: chr17-28524625-C-A. GRCh37 (hg19) VCF-style: chr17-26851643-C-A.
Other names: NM_003593.3:c.246C>A; c.246C>A, p.Cys82Ter (NM_003593.3); short protein forms C82*.
Identifiers: ClinVar variation 2780381 (VCV002780381.4), dbSNP rs2508354964, ClinGen allele CA398320910.